The following is an entry in ClinVar:

ClinVar aggregate classification (germline): Benign/Likely benign. Review status: criteria provided, multiple submitters, no conflicts (2 of 4 stars). 7 submissions from 7 submitters: Benign (3); Likely benign (3). 1 of the submissions does not count toward it. Last evaluated 2026-01-28.

Conditions:
Cardiomyopathy (CMYO). Also called: Cardiomyopathies. Identifiers: Orphanet 167848, MedGen C0878544, MONDO:0004994, HP:0001638. Inheritance: Various modes of inheritance.
Hypertrophic cardiomyopathy. Also called: HYPERTROPHIC MYOCARDIOPATHY. Identifiers: Orphanet 217569, MedGen C0007194, MeSH D002312, MONDO:0005045, HP:0001639.

Allele frequency attached by ClinVar (database versions not stated): TOPMed 0.00077; 1000 Genomes Project 30x 0.00078; 1000 Genomes Project 0.00080; gnomAD exomes 0.00007 and 0.00018; ExAC 0.00020; ESP Exome Variant Server 0.00046; gnomAD 0.00073 and 0.00077.
gnomAD v4.1: 209 of 1,614,130 alleles (0.013%); highest among the groups gnomAD compares: African/African-American, 0.24%; no homozygotes.

Submissions (7):

Labcorp Genetics (formerly Invitae), Labcorp
Classification: Likely benign for Hypertrophic cardiomyopathy. Last evaluated: 2026-01-28. Review status: criteria provided, single submitter. Criteria: Invitae Variant Classification Sherloc (09022015). Collection method: clinical testing. Allele origin: germline.

Molecular Diagnostic Laboratory for Inherited Cardiovascular Disease, Montreal Heart Institute
Classification: Likely benign. Last evaluated: 2025-04-09. Review status: criteria provided, single submitter. Criteria: ACMG Guidelines, 2015. Collection method: clinical testing. Allele origin: germline. Affected: no.

All of Us Research Program, National Institutes of Health
Classification: Benign for Hypertrophic cardiomyopathy. Last evaluated: 2023-12-18. Review status: criteria provided, single submitter. Criteria: ACMG Guidelines, 2015. Collection method: clinical testing. Allele origin: germline. Inheritance: Autosomal dominant inheritance. Observed: 43 variant alleles, 43 heterozygotes.
Comment: This study involves interpretation of variants in research participants for the purpose of population health screening. Participant phenotype was not available at the time of variant classification. Additional details can be found in publication PMID: 35346344, PMCID: PMC8962531

Color Diagnostics, LLC DBA Color Health
Classification: Benign for Cardiomyopathy. Last evaluated: 2018-11-08. Review status: criteria provided, single submitter. Criteria: ACMG Guidelines, 2015. Collection method: clinical testing. Allele origin: germline.

Laboratory for Molecular Medicine, Mass General Brigham Personalized Medicine
Classification: Likely benign. Last evaluated: 2012-04-11. Review status: criteria provided, single submitter. Criteria: LMM Criteria. Collection method: clinical testing. Allele origin: germline. Observed: 5 variant alleles.
Comment: The 559+6C>T variant (MYL3) has been reported in one individual with HCM (Morita 2008) but was also detected in 0.18% (7/3738) of African American chromosomes f rom a broad population by the NHLBI Exome Sequencing Project (dbSNP rs199474709). This frequency suggests that the variant is more likely benign although a modifying role cannot be excluded.

GeneDx
Classification: Benign. Last evaluated: 2011-07-16. Review status: criteria provided, single submitter. Criteria: GeneDx Variant Classification (06012015). Collection method: clinical testing. Allele origin: germline. Affected: yes.
Comment: This variant is considered likely benign or benign based on one or more of the following criteria: it is a conservative change, it occurs at a poorly conserved position in the protein, it is predicted to be benign by multiple in silico algorithms, and/or has population frequency not consistent with disease.

Leiden Muscular Dystrophy (MYL3)
No classification provided. Last evaluated: 2012-03-18. Review status: no classification provided. Collection method: curation. Allele origin: germline. Not counted in ClinVar's aggregate classification.

Literature cited by the submitters: PubMed 18403758 (cited by Laboratory for Molecular Medicine, Mass General Brigham Personalized Medicine).

NM_000258.3(MYL3):c.559+6C>T

Gene: MYL3 (myosin light chain 3; minus strand). Cytogenetic location: 3p21.31.
Variant type: single nucleotide variant.
Coding change: c.559+6C>T on transcript NM_000258.3 (MANE Select); 6 bases into the intron after coding-DNA position 559, C replaced by T.
Molecular consequence: intron variant.
Genome position (GRCh38, 1-based): chr3:46,858,378, G>A on the plus strand (C>T on the coding strand, the complement: MYL3 is on the minus strand). VCF-style: chr3-46858378-G-A. GRCh37 (hg19) VCF-style: chr3-46899868-G-A.
Identifiers: ClinVar variation 31781 (VCV000031781.19), dbSNP rs199474709, ClinGen allele CA014055.